The following is an entry in ClinVar:

ClinVar aggregate classification (germline): Uncertain significance. Review status: criteria provided, multiple submitters, no conflicts (2 of 4 stars). 5 submissions from 5 submitters: Uncertain significance (5). Last evaluated 2026-01-02.

Conditions:
Hereditary cancer-predisposing syndrome. Also called: Tumor predisposition; Hereditary neoplastic syndrome; Neoplastic Syndromes, Hereditary; Hereditary Cancer Syndrome. Identifiers: Orphanet 140162, MedGen C0027672, MeSH D009386, MONDO:0015356.
Classic or attenuated familial adenomatous polyposis. Identifiers: MedGen CN372698, MONDO:0021057.
Familial adenomatous polyposis 1 (FAP1). Also called: POLYPOSIS, ADENOMATOUS INTESTINAL; FAMILIAL ADENOMATOUS POLYPOSIS 1, ATTENUATED. Identifiers: MedGen C2713442, MONDO:0021056, OMIM 175100. Disease mechanism: loss of function.

Submissions (5):

Labcorp Genetics (formerly Invitae), Labcorp
Classification: Uncertain significance for Familial adenomatous polyposis 1. Last evaluated: 2026-01-02. Review status: criteria provided, single submitter. Criteria: Invitae Variant Classification Sherloc (09022015). Collection method: clinical testing. Allele origin: germline.
Comment: This sequence change replaces arginine, which is basic and polar, with serine, which is neutral and polar, at codon 2333 of the APC protein (p.Arg2333Ser). This variant is not present in population databases (gnomAD no frequency). This variant has not been reported in the literature in individuals affected with APC-related conditions. ClinVar contains an entry for this variant (Variation ID: 860114). Invitae Evidence Modeling of protein sequence and biophysical properties (such as structural, functional, and spatial information, amino acid conservation, physicochemical variation, residue mobility, and thermodynamic stability) indicates that this missense variant is not expected to disrupt APC protein function with a negative predictive value of 95%. In summary, the available evidence is currently insufficient to determine the role of this variant in disease. Therefore, it has been classified as a Variant of Uncertain Significance.

Quest Diagnostics Nichols Institute San Juan Capistrano
Classification: Uncertain significance. Last evaluated: 2025-04-02. Review status: criteria provided, single submitter. Criteria: Quest Diagnostics criteria. Collection method: clinical testing. Allele origin: unknown.
Comment: The APC c.6999A>T (p.Arg2333Ser) variant has not been reported in individuals with APC-related conditions in the published literature. It also has not been reported in large, multi-ethnic general populations (Genome Aggregation Database). Analysis of this variant using bioinformatics tools for the prediction of the effect of amino acid changes on protein structure and function yielded predictions that this variant is damaging. Based on the available information, we are unable to determine the clinical significance of this variant.

Ambry Genetics
Classification: Uncertain significance for Hereditary cancer-predisposing syndrome. Last evaluated: 2025-03-13. Review status: criteria provided, single submitter. Criteria: Ambry Variant Classification Scheme 2023. Collection method: clinical testing. Allele origin: germline.
Comment: The p.R2333S variant (also known as c.6999A>T), located in coding exon 15 of the APC gene, results from an A to T substitution at nucleotide position 6999. The arginine at codon 2333 is replaced by serine, an amino acid with dissimilar properties. This amino acid position is well conserved in available vertebrate species. In addition, in silico predictors for this gene do not accurately predict pathogenicity. Missense alterations in APC are not a common cause of disease (Spier I et al. Genet Med. 2024 Feb;26(2):100992). Since supporting evidence is limited at this time, the clinical significance of this alteration remains unclear.

Color Diagnostics, LLC DBA Color Health
Classification: Uncertain significance for Hereditary cancer-predisposing syndrome. Last evaluated: 2025-01-06. Review status: criteria provided, single submitter. Criteria: ACMG Guidelines, 2015. Collection method: clinical testing. Allele origin: germline.
Comment: This missense variant replaces arginine with serine at codon 2333 of the APC protein. Computational prediction is inconclusive regarding the impact of this variant on protein structure and function (internally defined REVEL score threshold 0.5 < inconclusive < 0.7, PMID: 27666373). To our knowledge, functional studies have not been reported for this variant. This variant has not been reported in individuals affected with APC-related disorders in the literature. This variant has not been identified in the general population by the Genome Aggregation Database (gnomAD). The available evidence is insufficient to determine the role of this variant in disease conclusively. Therefore, this variant is classified as a Variant of Uncertain Significance.

All of Us Research Program, National Institutes of Health
Classification: Uncertain significance for Classic or attenuated familial adenomatous polyposis. Last evaluated: 2023-12-01. Review status: criteria provided, single submitter. Criteria: ACMG Guidelines, 2015. Collection method: clinical testing. Allele origin: germline. Inheritance: Autosomal dominant inheritance. Observed: 1 variant allele, 1 heterozygote.
Comment: This study involves interpretation of variants in research participants for the purpose of population health screening. Participant phenotype was not available at the time of variant classification. Additional details can be found in publication PMID: 35346344, PMCID: PMC8962531

NM_000038.6(APC):c.6999A>T (p.Arg2333Ser)

Gene: APC (APC regulator of Wnt signaling pathway; plus strand). Cytogenetic location: 5q22.2.
Variant type: single nucleotide variant.
Coding change: c.6999A>T on transcript NM_000038.6 (MANE Select); coding-DNA position 6999, A replaced by T.
Protein change: p.Arg2333Ser; replaces arginine 2333 with serine.
Molecular consequence: missense variant.
Genome position (GRCh38, 1-based): chr5:112,842,593, A>T. VCF-style: chr5-112842593-A-T. GRCh37 (hg19) VCF-style: chr5-112178290-A-T.
Other names: c.6999A>T, p.Arg2333Ser (NM_001127510.3, NM_001354895.2); c.6945A>T, p.Arg2315Ser (NM_001127511.3); c.7053A>T, p.Arg2351Ser (NM_001354896.2); c.7029A>T, p.Arg2343Ser (NM_001354897.2); c.6924A>T, p.Arg2308Ser (NM_001354898.2); c.6915A>T, p.Arg2305Ser (NM_001354899.2); c.6876A>T, p.Arg2292Ser (NM_001354900.2); c.6822A>T, p.Arg2274Ser (NM_001354901.2); and 5 more; short protein forms R2050S, R2242S, R2308S, R2315S, R2232S, R2292S, R2333S, R2343S.
Identifiers: ClinVar variation 860114 (VCV000860114.17), dbSNP rs1766351138, ClinGen allele CA16036588.